The following is an entry in ClinVar:

ClinVar aggregate classification (germline): Conflicting classifications of pathogenicity. Review status: criteria provided, conflicting classifications (1 of 4 stars). 22 submissions from 22 submitters: Likely pathogenic (1); Uncertain significance (10); Benign (2); Likely benign (5). 4 of the submissions do not count toward it. Last evaluated 2026-02-11.

Conditions:
Autoinflammatory syndrome. Identifiers: Orphanet 93665, MedGen C3890737, MONDO:0019751.
Inborn genetic diseases. Identifiers: MedGen C0950123, MeSH D030342.
Familial Mediterranean fever (FMF). Also called: Periodic peritonitis; Benign paroxysmal peritonitis; POLYSEROSITIS, FAMILIAL PAROXYSMAL; POLYSEROSITIS, RECURRENT. Identifiers: Orphanet 342, MedGen C0031069, MONDO:0018088, OMIM 249100. Disease mechanism: gain of function.

Allele frequency attached by ClinVar (database versions not stated): gnomAD 0.01590; 1000 Genomes Project 30x 0.01827; TOPMed 0.01140; 1000 Genomes Project 0.02017.
gnomAD v4.1: 16,966 of 1,614,188 alleles (1.1%); highest among the groups gnomAD compares: East Asian, 6.3%; 246 homozygotes.

Submissions 1 to 16 of 22:

Women's Health and Genetics/Laboratory Corporation of America, LabCorp
Classification: Likely benign. Last evaluated: 2026-02-11. Review status: criteria provided, single submitter. Criteria: LabCorp Variant Classification Summary - May 2015. Collection method: clinical testing. Allele origin: germline.
Comment: Variant summary: MEFV c.1105C>T (p.Pro369Ser) results in a non-conservative amino acid change in the encoded protein sequence. Algorithms developed to predict the effect of missense changes on protein structure and function are either unavailable or do not agree on the potential impact of this missense change. The variant allele was found at a frequency of 0.015 in 253268 control chromosomes, predominantly at a frequency of 0.07 within the East Asian subpopulation in the gnomAD database, including 54 homozygotes. The observed variant frequency within East Asian control individuals in the gnomAD database exceeds the estimated maximal expected allele frequency for disease-causing variants in MEFV. Additionally, the variant was found with even higher frequencies in the 1000 Genomes Project within some East Asian subpopulations, further supporting that this variant is likely a benign polymorphism (Moradian 2017). Due to its high frequency, the variant, c.1105C>T, has been reported in the literature in sequencing studies of numerous individuals affected with FMF, generally in combination with one or more other MEFV variants (e.g. Ryan_2010, Caglayan_2010, Berdeli_2011, Migita 2016, Hoang_2019). Many of the earlier reports suffer from a lack of extensive genotyping limited to small panels of variants in the MEFV gene. However, a recent study evaluating the prevalence of the disease in the Japanese population (Migita 2016) found no significant difference in allele frequencies between FMF patients (8.6%; 33/384 alleles) and healthy subjects (6.2%; 13/210 alleles). The variant was reported in a family in two asymptomatic individuals with another pathogenic MEFV variant (c.1437C>G (p.Phe479Leu) or c.2040G>C (p.Met680Ile)) in trans (Moussa_2013), providing supporting evidence for a benign role. Co-immunoprecipitation studies demonstrated that the variant does not affect the binding of pyrin to the PSTPIP1 protein (Ryan_2010). The following publications have been ascertained in the context of this evaluation (PMID: 10364520, 10090880, 19934105, 18097735, 10842288, 19449169, 16802374, 19253030, 17566872, 15951859, 21413889, 22467954, 19934083, 23524442, 22906030, 23847694, 23302539, 25615955, 25703702, 27659338, 29178647, 29148036, 30407166, 29526930, 27473114, 31411330, 31620089, 31531243). ClinVar contains an entry for this variant (Variation ID: 2551). Based on the evidence outlined above, the variant was classified as likely benign.

Labcorp Genetics (formerly Invitae), Labcorp
Classification: Likely benign for Familial Mediterranean fever. Last evaluated: 2026-02-04. Review status: criteria provided, single submitter. Criteria: Invitae Variant Classification Sherloc (09022015). Collection method: clinical testing. Allele origin: germline.

Center for Genomic Medicine, Rigshospitalet, Copenhagen University Hospital
Classification: Uncertain significance. Last evaluated: 2025-12-29. Review status: criteria provided, single submitter. Criteria: ACMG Guidelines, 2015. Collection method: clinical testing. Allele origin: germline.

Mayo Clinic Laboratories, Mayo Clinic
Classification: Likely benign. Last evaluated: 2025-08-22. Review status: criteria provided, single submitter. Criteria: ACMG Guidelines, 2015. Collection method: clinical testing. Allele origin: germline. Observed: 31 variant alleles.

Revvity Omics, Revvity
Classification: Uncertain significance. Last evaluated: 2025-01-02. Review status: criteria provided, single submitter. Criteria: ACMG Guidelines, 2015. Collection method: clinical testing. Allele origin: germline.

Blueprint Genetics
Classification: Likely benign. Last evaluated: 2024-11-27. Review status: criteria provided, single submitter. Criteria: ACMG Guidelines, 2015. Collection method: clinical testing. Allele origin: germline.

GeneDx
Classification: Likely benign. Last evaluated: 2024-04-11. Review status: criteria provided, single submitter. Criteria: GeneDx Variant Classification Process June 2021. Collection method: clinical testing. Allele origin: germline. Affected: yes.
Comment: See Variant Classification Assertion Criteria.

Clinical Genetics and Genomics, Karolinska University Hospital
Classification: Uncertain significance. Last evaluated: 2024-01-26. Review status: criteria provided, single submitter. Criteria: ACMG Guidelines, 2015. Collection method: clinical testing. Allele origin: germline. Affected: yes. Observed: 9 variant alleles.

ARUP Laboratories, Molecular Genetics and Genomics, ARUP Laboratories
Classification: Benign. Last evaluated: 2023-11-17. Review status: criteria provided, single submitter. Criteria: ARUP Molecular Germline Variant Investigation Process 2024. Collection method: clinical testing. Allele origin: germline.

CeGaT Center for Human Genetics Tuebingen
Classification: Uncertain significance. Last evaluated: 2022-07-01. Review status: criteria provided, single submitter. Criteria: CeGaT Center For Human Genetics Tuebingen Variant Classification Criteria Version 2. Collection method: clinical testing. Allele origin: germline. Affected: yes. Observed: 2 variant alleles.

Genome Diagnostics Laboratory, The Hospital for Sick Children
Classification: Uncertain significance for Autoinflammatory syndrome. Last evaluated: 2022-04-20. Review status: criteria provided, single submitter. Criteria: ACMG Guidelines, 2015. Collection method: clinical testing. Allele origin: germline. Affected: yes.

MGZ Medical Genetics Center
Classification: Uncertain significance for Familial Mediterranean fever. Last evaluated: 2022-03-23. Review status: criteria provided, single submitter. Criteria: ACMG Guidelines, 2015. Collection method: clinical testing. Allele origin: germline. Affected: yes. Observed: 3 variant alleles.
Comment: ACMG criteria applied: PM3, PM5

Genome-Nilou Lab
Classification: Uncertain significance for Familial Mediterranean fever. Last evaluated: 2021-06-10. Review status: criteria provided, single submitter. Criteria: ACMG Guidelines, 2015. Collection method: clinical testing. Allele origin: germline. Affected: no.

Quest Diagnostics Nichols Institute San Juan Capistrano
Classification: Uncertain significance. Last evaluated: 2019-02-08. Review status: criteria provided, single submitter. Criteria: Quest Diagnostics criteria. Collection method: clinical testing. Allele origin: germline.

Illumina Laboratory Services, Illumina
Classification: Uncertain significance for Familial Mediterranean fever. Last evaluated: 2017-04-27. Review status: criteria provided, single submitter. Criteria: ICSL Variant Classification Criteria 13 December 2019. Collection method: clinical testing. Allele origin: germline.
Comment: This variant was observed as part of a predisposition screen in an ostensibly healthy population. A literature search was performed for the gene, cDNA change, and amino acid change (where applicable). Publications were found based on this search. However, the evidence from the literature, in combination with allele frequency data from public databases where available, was not sufficient to rule this variant in or out of causing disease. Therefore, this variant is classified as a variant of unknown significance.

Ambry Genetics
Classification: Uncertain significance for Inborn genetic diseases. Last evaluated: 2017-03-11. Review status: criteria provided, single submitter. Criteria: Ambry Variant Classification Scheme 2023. Collection method: clinical testing. Allele origin: germline.
Comment: The p.P369S variant (also known as c.1105C>T), located in coding exon 3 of the MEFV gene, results from a C to T substitution at nucleotide position 1105. The proline at codon 369 is replaced by serine, an amino acid with similar properties. This variant is often seen in cis with p.R408Q, and has been identified in individuals with typical and atypical familial Mediterranean fever (FMF) as well as in healthy controls (Aksentijevich I et al. Am. J. Hum. Genet., 1999 Apr;64:949-62; Cazeneuve C et al. Am. J. Hum. Genet., 1999 Jul;65:88-97; Feng J et al. PLoS ONE, 2009 Dec;4:e8480; Ryan JG et al. Ann. Rheum. Dis., 2010 Jul;69:1383-8; Migita K et al. Medicine (Baltimore), 2014 May;93:158-64). The p.P369S and p.R408Q variants were found to be in strong linkage disequilibrium; genetic and functional data suggest that the p.[P369S; R408Q] complex allele is unlikely to represent a classic FMF disease-associated mutation, and is more likely to be a high frequency low-penetrance mutation (Ryan JG et al. Ann. Rheum. Dis., 2010 Jul;69:1383-8; Migita K et al. Medicine (Baltimore), 2014 May;93:158-64). Based on data from ExAC, the T allele has an overall frequency of approximately 1.437% (1518/105622) total alleles studied. The highest observed frequency was 7.026% (550/7828) of East Asian alleles. This amino acid position is well conserved in limited vertebrate species; however, serine is the reference amino acid is several species. In addition, this alteration is predicted to be possibly damaging by PolyPhen but tolerated by SIFT in silico analyses. Based on the available evidence to date, the clinical significance of this alteration remains unclear (Ryan JG et al. Ann. Rheum. Dis., 2010 Jul;69:1383-8).

NM_000243.3(MEFV):c.1105C>T (p.Pro369Ser)

Gene: MEFV (MEFV innate immunity regulator, pyrin; minus strand). Cytogenetic location: 16p13.3.
Variant type: single nucleotide variant.
Coding change: c.1105C>T on transcript NM_000243.3 (MANE Select); coding-DNA position 1105, C replaced by T.
Protein change: p.Pro369Ser; replaces proline 369 with serine.
Molecular consequence: missense variant.
Genome position (GRCh38, 1-based): chr16:3,249,586, G>A on the plus strand (C>T on the coding strand, the complement: MEFV is on the minus strand). VCF-style: chr16-3249586-G-A. GRCh37 (hg19) VCF-style: chr16-3299586-G-A.
Other names: P369S; c.472C>T, p.Pro158Ser (NM_001198536.2); short protein forms P158S.
Identifiers: ClinVar variation 2551 (VCV000002551.80), dbSNP rs11466023, ClinGen allele CA280114.
Genomic context (GRCh38, chr16:3,249,586, plus strand): 5'-CCTCACAGAAGAGCAGCTGGACCTGCTTCAGGTGGCGCTTACACTGTGGCAGGGGCTGGG[G>A]GCTTAGGCTTCCCGGGCTCTTCCTTTCATGGGAGTCCTGGCACCGGGGGCAGCCAGGTGA-3'
Protein context (NP_000234.1, residues 359-379): HERKSPGSLS[Pro369Ser]QPLPQCKRHL